The following is an entry in ClinVar:

NM_024649.5(BBS1):c.1362_1365del (p.Asp455fs)

Genes: BBS1 (Bardet-Biedl syndrome 1; plus strand), ZDHHC24 (zDHHC palmitoyltransferase 24; minus strand). Cytogenetic location: 11q13.2.
Variant type: Microsatellite.
Coding change: c.1362_1365del on transcript NM_024649.5 (MANE Select); coding-DNA positions 1362 to 1365, 4 bases deleted (AGAC; older notation c.1362_1365delAGAC).
Protein change: p.Asp455fs; shifts the reading frame from aspartic acid 455.
Molecular consequence: frameshift variant. On other transcripts: intron variant (1).
Genome position (GRCh38, 1-based): chr11:66,529,841-66,529,844, AGAC deleted; deleting any 4 consecutive bases within chr11:66,529,836-66,529,844 gives the same sequence; the c. name uses the placement nearest the transcript's 3' end. VCF-style (leftmost placement, unchanged base first): chr11-66529835-CCAGA-C. GRCh37 (hg19) VCF-style: chr11-66297306-CCAGA-C.
Other names: c.560-351_560-348del (NM_001348571.2); short protein forms D455fs.
Identifiers: ClinVar variation 4993061 (VCV004993061.1).

ClinVar aggregate classification (germline): Likely pathogenic (1 of 4 stars; one submission).

Conditions:
BBS1-related disorder. Also called: BBS1-related condition.

Submission:

PreventionGenetics, part of Exact Sciences
Classification: Likely pathogenic for BBS1-related condition. Last evaluated: 2025-10-16. Review status: criteria provided, single submitter. Criteria: ACMG Guidelines, 2015. Collection method: clinical testing. Allele origin: germline.
Comment: The BBS1 c.1362_1365delAGAC variant is predicted to result in a frameshift and premature protein termination (p.Asp455Tyrfs*20). To our knowledge, this variant has not been reported in the literature or in a large population database (gnomAD), indicating this variant is rare. Frameshift variants in BBS1 are expected to be pathogenic. This variant is interpreted as likely pathogenic.